The following is an entry in ClinVar:

ClinVar aggregate classification (germline): Pathogenic (1 of 4 stars; one submission).

Submission:

Labcorp Genetics (formerly Invitae), Labcorp
Classification: Pathogenic. Last evaluated: 2024-01-11. Review status: criteria provided, single submitter. Criteria: Invitae Variant Classification Sherloc (09022015). Collection method: clinical testing. Allele origin: germline.
Comment: This sequence change creates a premature translational stop signal (p.Trp302*) in the LAMB3 gene. It is expected to result in an absent or disrupted protein product. Loss-of-function variants in LAMB3 are known to be pathogenic (PMID: 11023379, 16473856). This variant is not present in population databases (gnomAD no frequency). This premature translational stop signal has been observed in individual(s) with epidermolysis bullosa (PMID: 36287101). In at least one individual the data is consistent with being in trans (on the opposite chromosome) from a pathogenic variant. ClinVar contains an entry for this variant (Variation ID: 2102120). For these reasons, this variant has been classified as Pathogenic.

Literature cited by the submitters: PubMed 11023379; PubMed 16473856; PubMed 36287101.

NM_000228.3(LAMB3):c.906G>A (p.Trp302Ter)

Gene: LAMB3 (laminin subunit beta 3; minus strand). Cytogenetic location: 1q32.2.
Variant type: single nucleotide variant.
Coding change: c.906G>A on transcript NM_000228.3 (MANE Select); coding-DNA position 906, G replaced by A.
Protein change: p.Trp302Ter; replaces tryptophan 302 with a stop codon.
Molecular consequence: nonsense.
Genome position (GRCh38, 1-based): chr1:209,630,652, C>T on the plus strand (G>A on the coding strand, the complement: LAMB3 is on the minus strand). VCF-style: chr1-209630652-C-T. GRCh37 (hg19) VCF-style: chr1-209803997-C-T.
Other names: c.906G>A, p.Trp302Ter (NM_001017402.2, NM_001127641.1); short protein forms W302*.
Identifiers: ClinVar variation 2102120 (VCV002102120.4), dbSNP rs2464855082, ClinGen allele CA344593449.